The following is an entry in ClinVar:

NM_032578.4(MYPN):c.1372G>A (p.Val458Ile)

Gene: MYPN (myopalladin; plus strand). Cytogenetic location: 10q21.3.
Variant type: single nucleotide variant.
Coding change: c.1372G>A on transcript NM_032578.4 (MANE Select); coding-DNA position 1372, G replaced by A.
Protein change: p.Val458Ile; replaces valine 458 with isoleucine.
Molecular consequence: missense variant. On other transcripts: non-coding transcript variant (2).
Genome position (GRCh38, 1-based): chr10:68,158,540, G>A. VCF-style: chr10-68158540-G-A. GRCh37 (hg19) VCF-style: chr10-69918297-G-A.
Other names: c.1372G>A (NM_032578.2); c.1372G>A, p.Val458Ile (NM_001256267.2); c.490G>A, p.Val164Ile (NM_001256268.2); short protein forms V458I, V164I.
Identifiers: ClinVar variation 850794 (VCV000850794.8), dbSNP rs757231554, ClinGen allele CA5522531.
Genomic context (GRCh38, chr10:68,158,540, plus strand): 5'-TTATAGATGCTACAAAATTTGTCAGCTTCTGAGGGTCAGCTGGTTGTCTTTGAATGCAGA[G>A]TAAAAGGAGCTCCATCTCCTAAGGTTGAGTGGTATAGAGAAGGGACTTTAATAGAAGATT-3'
Protein context (NP_115967.2, residues 448-468): EGQLVVFECR[Val458Ile]KGAPSPKVEW

ClinVar aggregate classification (germline): Uncertain significance. Review status: criteria provided, multiple submitters, no conflicts (2 of 4 stars). 3 submissions from 3 submitters: Uncertain significance (3). Last evaluated 2025-11-20.

Conditions:
Cardiovascular phenotype. Identifiers: MedGen CN230736.
Dilated cardiomyopathy 1KK (CMD1KK). Identifiers: Orphanet 154, Orphanet 75249, MedGen C3714995, MONDO:0014100, OMIM 615248.

Allele frequency attached by ClinVar (database versions not stated): gnomAD 0.00001; ExAC 0.00001; gnomAD exomes 0.00001 and 0.00003.
gnomAD v4.1: 20 of 1,613,684 alleles (0.0012%); highest among the groups gnomAD compares: East Asian, 0.0089%; no homozygotes.

Submissions (3):

Ambry Genetics
Classification: Uncertain significance for Cardiovascular phenotype. Last evaluated: 2025-11-20. Review status: criteria provided, single submitter. Criteria: Ambry Variant Classification Scheme 2023. Collection method: clinical testing. Allele origin: germline.

GeneDx
Classification: Uncertain significance. Last evaluated: 2023-02-07. Review status: criteria provided, single submitter. Criteria: GeneDx Variant Classification Process June 2021. Collection method: clinical testing. Allele origin: germline. Affected: yes.
Comment: In silico analysis supports that this missense variant does not alter protein structure/function; Has not been previously published as pathogenic or benign to our knowledge

Labcorp Genetics (formerly Invitae), Labcorp
Classification: Uncertain significance for Dilated cardiomyopathy 1KK. Last evaluated: 2022-08-17. Review status: criteria provided, single submitter. Criteria: Invitae Variant Classification Sherloc (09022015). Collection method: clinical testing. Allele origin: germline.
Comment: This sequence change replaces valine, which is neutral and non-polar, with isoleucine, which is neutral and non-polar, at codon 458 of the MYPN protein (p.Val458Ile). This variant is present in population databases (rs757231554, gnomAD 0.02%). This variant has not been reported in the literature in individuals affected with MYPN-related conditions. ClinVar contains an entry for this variant (Variation ID: 850794). Algorithms developed to predict the effect of missense changes on protein structure and function are either unavailable or do not agree on the potential impact of this missense change (SIFT: "Tolerated"; PolyPhen-2: "Probably Damaging"; Align-GVGD: "Class C0"). In summary, the available evidence is currently insufficient to determine the role of this variant in disease. Therefore, it has been classified as a Variant of Uncertain Significance.